The following is an entry in ClinVar:

ClinVar aggregate classification (germline): Uncertain significance (1 of 4 stars; one submission).

Allele frequency attached by ClinVar (database versions not stated): TOPMed below 0.00001; gnomAD 0.00001; ExAC 0.00003; ESP Exome Variant Server 0.00008.
gnomAD v4.1: 48 of 1,612,986 alleles (0.003%); highest among the groups gnomAD compares: Non-Finnish European, 0.0037%; no homozygotes.

Submission:

Labcorp Genetics (formerly Invitae), Labcorp
Classification: Uncertain significance. Last evaluated: 2023-10-09. Review status: criteria provided, single submitter. Criteria: Invitae Variant Classification Sherloc (09022015). Collection method: clinical testing. Allele origin: germline.
Comment: This sequence change replaces proline, which is neutral and non-polar, with leucine, which is neutral and non-polar, at codon 568 of the HNF1A protein (p.Pro568Leu). This variant is present in population databases (rs144674840, gnomAD 0.007%). This missense change has been observed in individual(s) with maturity-onset diabetes of the young (PMID: 23348805). Advanced modeling of protein sequence and biophysical properties (such as structural, functional, and spatial information, amino acid conservation, physicochemical variation, residue mobility, and thermodynamic stability) has been performed at Invitae for this missense variant, however the output from this modeling did not meet the statistical confidence thresholds required to predict the impact of this variant on HNF1A protein function. In summary, the available evidence is currently insufficient to determine the role of this variant in disease. Therefore, it has been classified as a Variant of Uncertain Significance.

Literature cited by the submitters: PubMed 23348805.

NM_000545.8(HNF1A):c.1703C>T (p.Pro568Leu)

Gene: HNF1A (HNF1 homeobox A; plus strand). Cytogenetic location: 12q24.31.
Variant type: single nucleotide variant.
Coding change: c.1703C>T on transcript NM_000545.8 (MANE Select); coding-DNA position 1703, C replaced by T.
Protein change: p.Pro568Leu; replaces proline 568 with leucine.
Molecular consequence: missense variant.
Genome position (GRCh38, 1-based): chr12:120,999,562, C>T. VCF-style: chr12-120999562-C-T. GRCh37 (hg19) VCF-style: chr12-121437365-C-T.
Other names: c.1724C>T, p.Pro575Leu (NM_001306179.2); c.1511C>T, p.Pro504Leu (NM_001406915.1); short protein forms P575L, P568L, P504L.
Identifiers: ClinVar variation 2990315 (VCV002990315.2), dbSNP rs144674840, ClinGen allele CA6832151.